The following is an entry in ClinVar:

ClinVar aggregate classification (germline): Likely benign. Review status: criteria provided, multiple submitters, no conflicts (2 of 4 stars). 4 submissions from 4 submitters: Likely benign (4). Last evaluated 2026-01-11.

Conditions:
Cardiovascular phenotype. Identifiers: MedGen CN230736.
RASopathy. Also called: rasopathies; Noonan spectrum disorder. Identifiers: Orphanet 536391, MedGen C5555857, MONDO:0021060.

Allele frequency attached by ClinVar (database versions not stated): gnomAD exomes 0.00006; ExAC 0.00010; ESP Exome Variant Server 0.00016; gnomAD 0.00029 and 0.00031; 1000 Genomes Project 30x 0.00031; TOPMed 0.00036.
gnomAD v4.1: 76 of 1,551,388 alleles (0.0049%); highest among the groups gnomAD compares: African/African-American, 0.075%; no homozygotes.

Submissions (4):

Labcorp Genetics (formerly Invitae), Labcorp
Classification: Likely benign for RASopathy. Last evaluated: 2026-01-11. Review status: criteria provided, single submitter. Criteria: Invitae Variant Classification Sherloc (09022015). Collection method: clinical testing. Allele origin: germline.

GeneDx
Classification: Likely benign. Last evaluated: 2022-09-19. Review status: criteria provided, single submitter. Criteria: GeneDx Variant Classification Process June 2021. Collection method: clinical testing. Allele origin: germline. Affected: yes.
Comment: See Variant Classification Assertion Criteria.

Ambry Genetics
Classification: Likely benign for Cardiovascular phenotype. Last evaluated: 2022-04-09. Review status: criteria provided, single submitter. Criteria: Ambry Variant Classification Scheme 2023. Collection method: clinical testing. Allele origin: germline.

Women's Health and Genetics/Laboratory Corporation of America, LabCorp
Classification: Likely benign. Last evaluated: 2019-05-13. Review status: criteria provided, single submitter. Criteria: LabCorp Variant Classification Summary - May 2015. Collection method: clinical testing. Allele origin: germline.
Comment: Variant summary: MAP2K2 c.1191C>T alters a non-conserved nucleotide resulting in a synonymous change. 5/5 computational tools predict no significant impact on normal splicing. However, these predictions have yet to be confirmed by functional studies. The variant allele was found at a frequency of 5.7e-05 in 157430 control chromosomes. The available data on variant occurrences in the general population are insufficient to allow any conclusion about variant significance. To our knowledge, no occurrence of c.1191C>T in individuals affected with Noonan Syndrome and Related Conditions and no experimental evidence demonstrating its impact on protein function have been reported. Co-occurrences with other pathogenic variant(s) have been reported (PTPN11 c.218C>T, p.T73I), providing supporting evidence for a benign role. No clinical diagnostic laboratories have submitted clinical-significance assessments for this variant to ClinVar after 2014. Based on the evidence outlined above, the variant was classified as likely benign.

NM_030662.4(MAP2K2):c.1191C>T (p.Arg397=)

Gene: MAP2K2 (mitogen-activated protein kinase kinase 2; minus strand). Cytogenetic location: 19p13.3.
Variant type: single nucleotide variant.
Coding change: c.1191C>T on transcript NM_030662.4 (MANE Select); coding-DNA position 1191, C replaced by T.
Protein change: p.Arg397=; no amino-acid change (arginine 397 retained).
Molecular consequence: synonymous variant.
Genome position (GRCh38, 1-based): chr19:4,090,610, G>A on the plus strand (C>T on the coding strand, the complement: MAP2K2 is on the minus strand). VCF-style: chr19-4090610-G-A. GRCh37 (hg19) VCF-style: chr19-4090608-G-A.
Identifiers: ClinVar variation 697209 (VCV000697209.19), dbSNP rs148592592, ClinGen allele CA9090682.
Genomic context (GRCh38, chr19:4,090,610, plus strand): 5'-AGGGACGGTGGGCAGGTCACCAGCGGGACGCAGGGAGCCCGGCCACTGTCACACGGCGGT[G>A]CGCGTGGGTGTGCCGGGCTGGTTCAGCCGCAGGGTTTTACACAACCAGCCGGCAAAATCC-3'
Protein context (NP_109587.1, residues 387-400): LRLNQPGTPT[Arg397=]TAV